The following is an entry in ClinVar:

ClinVar aggregate classification (germline): Conflicting classifications of pathogenicity. Review status: criteria provided, conflicting classifications (1 of 4 stars). 7 submissions from 7 submitters: Uncertain significance (6); Likely benign (1). Last evaluated 2026-05-26.

Conditions:
Classic or attenuated familial adenomatous polyposis. Identifiers: MedGen CN372698, MONDO:0021057.
Hereditary cancer-predisposing syndrome. Also called: Neoplastic Syndromes, Hereditary; Tumor predisposition; Hereditary neoplastic syndrome; Hereditary Cancer Syndrome. Identifiers: Orphanet 140162, MedGen C0027672, MeSH D009386, MONDO:0015356.
Familial adenomatous polyposis 1 (FAP1). Also called: FAMILIAL ADENOMATOUS POLYPOSIS 1, ATTENUATED; POLYPOSIS, ADENOMATOUS INTESTINAL. Identifiers: MedGen C2713442, MONDO:0021056, OMIM 175100. Disease mechanism: loss of function.

Allele frequency attached by ClinVar (database versions not stated): gnomAD exomes 0.00001; TOPMed 0.00001; ExAC 0.00001.

Submissions (7):

Ambry Genetics
Classification: Likely benign for Hereditary cancer-predisposing syndrome. Last evaluated: 2026-05-26. Review status: criteria provided, single submitter. Criteria: Ambry Variant Classification Scheme 2023. Collection method: clinical testing. Allele origin: germline.

Labcorp Genetics (formerly Invitae), Labcorp
Classification: Uncertain significance for Familial adenomatous polyposis 1. Last evaluated: 2026-01-26. Review status: criteria provided, single submitter. Criteria: Invitae Variant Classification Sherloc (09022015). Collection method: clinical testing. Allele origin: germline.
Comment: This sequence change replaces leucine, which is neutral and non-polar, with serine, which is neutral and polar, at codon 1713 of the APC protein (p.Leu1713Ser). This variant is present in population databases (rs587779797, gnomAD 0.002%). This variant has not been reported in the literature in individuals affected with APC-related conditions. ClinVar contains an entry for this variant (Variation ID: 127303). Invitae Evidence Modeling of protein sequence and biophysical properties (such as structural, functional, and spatial information, amino acid conservation, physicochemical variation, residue mobility, and thermodynamic stability) indicates that this missense variant is not expected to disrupt APC protein function with a negative predictive value of 95%. In summary, the available evidence is currently insufficient to determine the role of this variant in disease. Therefore, it has been classified as a Variant of Uncertain Significance.

Color Diagnostics, LLC DBA Color Health
Classification: Uncertain significance for Hereditary cancer-predisposing syndrome. Last evaluated: 2023-12-11. Review status: criteria provided, single submitter. Criteria: ACMG Guidelines, 2015. Collection method: clinical testing. Allele origin: germline.
Comment: This missense variant replaces leucine with serine at codon 1713 of the APC protein. Computational prediction suggests that this variant may not impact protein structure and function (internally defined REVEL score threshold <= 0.5, PMID: 27666373). To our knowledge, functional studies have not been reported for this variant. This variant has not been reported in individuals affected with APC-related disorders in the literature. This variant has been identified in 2/250126 chromosomes in the general population by the Genome Aggregation Database (gnomAD). The available evidence is insufficient to determine the role of this variant in disease conclusively. Therefore, this variant is classified as a Variant of Uncertain Significance.

All of Us Research Program, National Institutes of Health
Classification: Uncertain significance for Classic or attenuated familial adenomatous polyposis. Last evaluated: 2023-11-28. Review status: criteria provided, single submitter. Criteria: ACMG Guidelines, 2015. Collection method: clinical testing. Allele origin: germline. Inheritance: Autosomal dominant inheritance. Observed: 3 variant alleles, 3 heterozygotes.
Comment: This missense variant replaces leucine with serine at codon 1713 of the APC protein. Computational prediction suggests that this variant may not impact protein structure and function (internally defined REVEL score threshold <= 0.5, PMID: 27666373). To our knowledge, functional studies have not been reported for this variant. This variant has not been reported in individuals affected with APC-related disorders in the literature. This variant has been identified in 2/250126 chromosomes in the general population by the Genome Aggregation Database (gnomAD). The available evidence is insufficient to determine the role of this variant in disease conclusively. Therefore, this variant is classified as a Variant of Uncertain Significance.

This study involves interpretation of variants in research participants for the purpose of population health screening. Participant phenotype was not available at the time of variant classification. Additional details can be found in publication PMID: 35346344, PMCID: PMC8962531

GeneDx
Classification: Uncertain significance. Last evaluated: 2023-04-07. Review status: criteria provided, single submitter. Criteria: GeneDx Variant Classification Process June 2021. Collection method: clinical testing. Allele origin: germline. Affected: yes.
Comment: Not observed at significant frequency in large population cohorts (gnomAD); In silico analysis supports that this missense variant does not alter protein structure/function; Has not been previously published as pathogenic or benign to our knowledge; This variant is associated with the following publications: (PMID: 27588520, 18199528, 28569743)

Institute for Clinical Genetics, University Hospital TU Dresden, University Hospital TU Dresden
Classification: Uncertain significance. Last evaluated: 2021-11-03. Review status: criteria provided, single submitter. Criteria: ACMG Guidelines, 2015. Collection method: clinical testing. Allele origin: germline.

Mendelics
Classification: Uncertain significance for Familial adenomatous polyposis 1. Last evaluated: 2018-07-02. Review status: criteria provided, single submitter. Criteria: Mendelics Assertion Criteria 2017. Collection method: clinical testing. Allele origin: unknown.

Literature cited by the submitters: PubMed 32658311 (cited by Ambry Genetics).

NM_000038.6(APC):c.5138T>C (p.Leu1713Ser)

Gene: APC (APC regulator of Wnt signaling pathway; plus strand). Cytogenetic location: 5q22.2.
Variant type: single nucleotide variant.
Coding change: c.5138T>C on transcript NM_000038.6 (MANE Select); coding-DNA position 5138, T replaced by C.
Protein change: p.Leu1713Ser; replaces leucine 1713 with serine.
Molecular consequence: missense variant.
Genome position (GRCh38, 1-based): chr5:112,840,732, T>C. VCF-style: chr5-112840732-T-C. GRCh37 (hg19) VCF-style: chr5-112176429-T-C.
Other names: p.L1713S:TTG>TCG; c.5138T>C, p.Leu1713Ser (NM_001127510.3, NM_001354895.2); c.5084T>C, p.Leu1695Ser (NM_001127511.3); c.5192T>C, p.Leu1731Ser (NM_001354896.2); c.5168T>C, p.Leu1723Ser (NM_001354897.2); c.5063T>C, p.Leu1688Ser (NM_001354898.2); c.5054T>C, p.Leu1685Ser (NM_001354899.2); c.5015T>C, p.Leu1672Ser (NM_001354900.2); and 6 more; short protein forms L1713S, L1695S, L1553S, L1672S, L1723S, L1430S, L1612S, L1622S.
Identifiers: ClinVar variation 127303 (VCV000127303.28), dbSNP rs587779797, ClinGen allele CA009879.